The following is an entry in ClinVar:

NM_018124.4(RFWD3):c.1241C>T (p.Pro414Leu)

Gene: RFWD3 (ring finger and WD repeat domain 3; minus strand). Cytogenetic location: 16q23.1.
Variant type: single nucleotide variant.
Coding change: c.1241C>T on transcript NM_018124.4 (MANE Select); coding-DNA position 1241, C replaced by T.
Protein change: p.Pro414Leu; replaces proline 414 with leucine.
Molecular consequence: missense variant.
Genome position (GRCh38, 1-based): chr16:74,636,531, G>A on the plus strand (C>T on the coding strand, the complement: RFWD3 is on the minus strand). VCF-style: chr16-74636531-G-A. GRCh37 (hg19) VCF-style: chr16-74670429-G-A.
Other names: c.1241C>T, p.Pro414Leu (NM_001370534.1, NM_001370535.1, NM_001370536.1); c.407C>T, p.Pro136Leu (NM_001370537.1, NM_001370539.1, NM_001370540.1 and 3 more transcripts); short protein forms P136L, P414L.
Identifiers: ClinVar variation 2777882 (VCV002777882.3), dbSNP rs374480360, ClinGen allele CA8169267.

ClinVar aggregate classification (germline): Uncertain significance (1 of 4 stars; one submission).

Allele frequency attached by ClinVar (database versions not stated): ExAC 0.00001; gnomAD 0.00001; TOPMed 0.00001; ESP Exome Variant Server 0.00008.
gnomAD v4.1: 1 of 1,613,698 alleles (0.000062%); highest among the groups gnomAD compares: Non-Finnish European, 0.000085%; no homozygotes.

Submission:

Labcorp Genetics (formerly Invitae), Labcorp
Classification: Uncertain significance. Last evaluated: 2024-08-05. Review status: criteria provided, single submitter. Criteria: Invitae Variant Classification Sherloc (09022015). Collection method: clinical testing. Allele origin: germline.
Comment: This sequence change replaces proline, which is neutral and non-polar, with leucine, which is neutral and non-polar, at codon 414 of the RFWD3 protein (p.Pro414Leu). This variant is present in population databases (rs374480360, gnomAD 0.002%). This variant has not been reported in the literature in individuals affected with RFWD3-related conditions. An algorithm developed to predict the effect of missense changes on protein structure and function outputs the following: PolyPhen-2: "Benign". The leucine amino acid residue is found in multiple mammalian species, which suggests that this missense change does not adversely affect protein function. In summary, the available evidence is currently insufficient to determine the role of this variant in disease. Therefore, it has been classified as a Variant of Uncertain Significance.